The following is an entry in ClinVar:

NM_001723.7(DST):c.3398A>G (p.Asn1133Ser)

Gene: DST (dystonin; minus strand). Cytogenetic location: 6p12.1.
Variant type: single nucleotide variant.
Coding change: c.3398A>G on transcript NM_001723.7 (MANE Plus Clinical); coding-DNA position 3398, A replaced by G.
Protein change: p.Asn1133Ser; replaces asparagine 1133 with serine.
Molecular consequence: missense variant. On other transcripts: intron variant (10).
Genome position (GRCh38, 1-based): chr6:56,620,636, T>C on the plus strand (A>G on the coding strand, the complement: DST is on the minus strand). VCF-style: chr6-56620636-T-C. GRCh37 (hg19) VCF-style: chr6-56485434-T-C.
Other names: c.4830+3894A>G (NM_001144769.5); c.4929+3894A>G (NM_001374722.1, NM_001374736.1); c.4956+3894A>G (NM_001374734.1); c.4416+3894A>G (NM_001144770.2); c.4296+3894A>G (NM_001374730.1, NM_001386100.1, NM_183380.4 and 1 more transcripts); c.3318+3894A>G (NM_015548.5); short protein forms N1133S.
Identifiers: ClinVar variation 2058586 (VCV002058586.4), dbSNP rs2536752101, ClinGen allele CA364572002.

ClinVar aggregate classification (germline): Uncertain significance (1 of 4 stars; one submission).

Conditions:
Hereditary sensory and autonomic neuropathy type 6. Also called: Neuropathy, hereditary sensory and autonomic, type VI; HSAN VI. Identifiers: Orphanet 314381, MedGen C3539003, MONDO:0013839, OMIM 614653.
Epidermolysis bullosa simplex 3, localized or generalized intermediate, with BP230 deficiency (EBS3). Also called: Epidermolysis bullosa simplex, autosomal recessive 2; Epidermolysis bullosa simplex due to BP230 deficiency. Identifiers: Orphanet 412181, MedGen C3809470, MONDO:0014180, OMIM 615425.

Submission:

Labcorp Genetics (formerly Invitae), Labcorp
Classification: Uncertain significance for Epidermolysis bullosa simplex 3, localized or generalized intermediate, with BP230 deficiency; Hereditary sensory and autonomic neuropathy type 6. Last evaluated: 2024-11-11. Review status: criteria provided, single submitter. Criteria: Invitae Variant Classification Sherloc (09022015). Collection method: clinical testing. Allele origin: germline.
Comment: This sequence change replaces asparagine, which is neutral and polar, with serine, which is neutral and polar, at codon 1133 of the DST protein (p.Asn1133Ser). This variant is not present in population databases (gnomAD no frequency). This variant has not been reported in the literature in individuals affected with DST-related conditions. ClinVar contains an entry for this variant (Variation ID: 2058586). An algorithm developed to predict the effect of missense changes on protein structure and function (PolyPhen-2) suggests that this variant is likely to be disruptive. In summary, the available evidence is currently insufficient to determine the role of this variant in disease. Therefore, it has been classified as a Variant of Uncertain Significance.